The following is an entry in ClinVar:

ClinVar aggregate classification (germline): Uncertain significance (1 of 4 stars; one submission).

Submission:

GeneDx
Classification: Uncertain significance. Last evaluated: 2026-03-04. Review status: criteria provided, single submitter. Criteria: GeneDx Variant Classification Process June 2021. Collection method: clinical testing. Allele origin: germline.
Comment: Not observed at significant frequency in large population cohorts (gnomAD); In silico analysis supports that this missense variant has a deleterious effect on protein structure/function; Has not been previously published as pathogenic or benign to our knowledge; Variants in candidate genes are classified as variants of uncertain significance in accordance with ACMG guidelines (PMID: 25741868)

NM_032430.2(BRSK1):c.844C>T (p.His282Tyr)

Gene: BRSK1 (BR serine/threonine kinase 1; plus strand). Cytogenetic location: 19q13.42.
Variant type: single nucleotide variant.
Coding change: c.844C>T on transcript NM_032430.2 (MANE Select); coding-DNA position 844, C replaced by T.
Protein change: p.His282Tyr; replaces histidine 282 with tyrosine.
Molecular consequence: missense variant.
Genome position (GRCh38, 1-based): chr19:55,302,155, C>T. VCF-style: chr19-55302155-C-T. GRCh37 (hg19) VCF-style: chr19-55813523-C-T.
Other names: short protein forms H282Y.
Identifiers: ClinVar variation 5016916 (VCV005016916.1).
Genomic context (GRCh38, chr19:55,302,155, plus strand): 5'-ACGACCTCACTTCTGCTTCTCTACGACTCACCACCCTCACAGCTGGAGCAAATTCAGAAA[C>T]ATCCTTGGTACCTGTGAGTATGGGGTAACTGGACTCTTGGGTCCCTGGCGGAAATAGGGG-3'
Protein context (NP_115806.1, residues 272-292): KRLSLEQIQK[His282Tyr]PWYLGGKHEP